The following is an entry in ClinVar:

ClinVar aggregate classification (germline): Uncertain significance. Review status: criteria provided, multiple submitters, no conflicts (2 of 4 stars). 2 submissions from 2 submitters: Uncertain significance (2). Last evaluated 2025-04-04.

Conditions:
Hereditary cancer-predisposing syndrome. Also called: Neoplastic Syndromes, Hereditary; Tumor predisposition; Hereditary neoplastic syndrome; Hereditary Cancer Syndrome. Identifiers: Orphanet 140162, MedGen C0027672, MeSH D009386, MONDO:0015356.

Submissions (2):

Women's Health and Genetics/Laboratory Corporation of America, LabCorp
Classification: Uncertain significance. Last evaluated: 2025-04-04. Review status: criteria provided, single submitter. Criteria: LabCorp Variant Classification Summary - May 2015. Collection method: clinical testing. Allele origin: germline.

Ambry Genetics
Classification: Uncertain significance for Hereditary cancer-predisposing syndrome. Last evaluated: 2023-12-17. Review status: criteria provided, single submitter. Criteria: Ambry Variant Classification Scheme 2023. Collection method: clinical testing. Allele origin: germline.
Comment: The p.E2281Q variant (also known as c.6841G>C), located in coding exon 15 of the APC gene, results from a G to C substitution at nucleotide position 6841. The glutamic acid at codon 2281 is replaced by glutamine, an amino acid with highly similar properties. This amino acid position is conserved. In addition, in silico predictors for this gene do not accurately predict pathogenicity. Since supporting evidence is limited at this time, the clinical significance of this alteration remains unclear.

NM_000038.6(APC):c.6841G>C (p.Glu2281Gln)

Gene: APC (APC regulator of Wnt signaling pathway; plus strand). Cytogenetic location: 5q22.2.
Variant type: single nucleotide variant.
Coding change: c.6841G>C on transcript NM_000038.6 (MANE Select); coding-DNA position 6841, G replaced by C.
Protein change: p.Glu2281Gln; replaces glutamic acid 2281 with glutamine.
Molecular consequence: missense variant. On other transcripts: non-coding transcript variant (2).
Genome position (GRCh38, 1-based): chr5:112,842,435, G>C. VCF-style: chr5-112842435-G-C. GRCh37 (hg19) VCF-style: chr5-112178132-G-C.
Other names: c.6841G>C, p.Glu2281Gln (NM_001127510.3, NM_001354895.2, NM_001407450.1); c.6787G>C, p.Glu2263Gln (NM_001127511.3); c.6895G>C, p.Glu2299Gln (NM_001354896.2, NM_001407447.1, NM_001407448.1 and 1 more transcripts); c.6871G>C, p.Glu2291Gln (NM_001354897.2); c.6766G>C, p.Glu2256Gln (NM_001354898.2); c.6757G>C, p.Glu2253Gln (NM_001354899.2); c.6718G>C, p.Glu2240Gln (NM_001354900.2); c.6664G>C, p.Glu2222Gln (NM_001354901.2, NM_001407453.1); and 11 more; short protein forms E1897Q, E1998Q, E2121Q, E2152Q, E2155Q, E2180Q, E2190Q, E2198Q.
Identifiers: ClinVar variation 3231046 (VCV003231046.3), dbSNP rs1236451833, ClinGen allele CA16036264.